The following is an entry in ClinVar:

ClinVar aggregate classification (germline): Uncertain significance (1 of 4 stars; one submission).

Allele frequency attached by ClinVar (database versions not stated): ExAC 0.00006; gnomAD exomes 0.00006; 1000 Genomes Project 0.00020; 1000 Genomes Project 30x 0.00031; ESP Exome Variant Server 0.00031.
gnomAD v4.1: 73 of 1,612,634 alleles (0.0045%); highest among the groups gnomAD compares: African/African-American, 0.065%; no homozygotes.

Submission:

Labcorp Genetics (formerly Invitae), Labcorp
Classification: Uncertain significance. Last evaluated: 2022-07-29. Review status: criteria provided, single submitter. Criteria: Invitae Variant Classification Sherloc (09022015). Collection method: clinical testing. Allele origin: germline.
Comment: This sequence change replaces arginine, which is basic and polar, with glutamine, which is neutral and polar, at codon 90 of the CIB1 protein (p.Arg90Gln). This variant is present in population databases (rs201700406, gnomAD 0.07%). This variant has not been reported in the literature in individuals affected with CIB1-related conditions. ClinVar contains an entry for this variant (Variation ID: 1410999). Algorithms developed to predict the effect of missense changes on protein structure and function output the following: SIFT: "Tolerated"; PolyPhen-2: "Not Available"; Align-GVGD: "Class C0". The glutamine amino acid residue is found in multiple mammalian species, which suggests that this missense change does not adversely affect protein function. Algorithms developed to predict the effect of sequence changes on RNA splicing suggest that this variant may create or strengthen a splice site. In summary, the available evidence is currently insufficient to determine the role of this variant in disease. Therefore, it has been classified as a Variant of Uncertain Significance.

NM_006384.4(CIB1):c.149G>A (p.Arg50Gln)

Gene: CIB1 (calcium and integrin binding 1; minus strand). Cytogenetic location: 15q26.1.
Variant type: single nucleotide variant.
Coding change: c.149G>A on transcript NM_006384.4 (MANE Select); coding-DNA position 149, G replaced by A.
Protein change: p.Arg50Gln; replaces arginine 50 with glutamine.
Molecular consequence: missense variant. On other transcripts: non-coding transcript variant (2).
Genome position (GRCh38, 1-based): chr15:90,232,265, C>T on the plus strand (G>A on the coding strand, the complement: CIB1 is on the minus strand). VCF-style: chr15-90232265-C-T. GRCh37 (hg19) VCF-style: chr15-90775497-C-T.
Other names: c.269G>A, p.Arg90Gln (NM_001277764.2); short protein forms R50Q, R90Q.
Identifiers: ClinVar variation 1410999 (VCV001410999.3), dbSNP rs201700406, ClinGen allele CA7734299.